The following is an entry in ClinVar:

NM_000548.5(TSC2):c.1519C>G (p.Leu507Val)

Gene: TSC2 (TSC complex subunit 2; plus strand). Cytogenetic location: 16p13.3.
Variant type: single nucleotide variant.
Coding change: c.1519C>G on transcript NM_000548.5 (MANE Select); coding-DNA position 1519, C replaced by G.
Protein change: p.Leu507Val; replaces leucine 507 with valine.
Molecular consequence: missense variant. On other transcripts: 5 prime UTR variant (1), non-coding transcript variant (5).
Genome position (GRCh38, 1-based): chr16:2,064,347, C>G. VCF-style: chr16-2064347-C-G. GRCh37 (hg19) VCF-style: chr16-2114348-C-G.
Other names: c.919C>G, p.Leu307Val (NM_001406683.1, NM_001406684.1, NM_001406680.1 and 6 more transcripts); c.175C>G, p.Leu59Val (NM_001406695.1, NM_001406696.1, NM_001406697.1 and 6 more transcripts); c.-84C>G (NM_001406698.1); c.1372C>G, p.Leu458Val (NM_001406676.1, NM_001406679.1, NM_001406675.1 and 1 more transcripts); c.1462C>G, p.Leu488Val (NM_001406677.1); c.1408C>G, p.Leu470Val (NM_001406678.1, NM_001318827.2, NM_001406670.1); c.1057C>G, p.Leu353Val (NM_001406681.1); c.1519C>G, p.Leu507Val (NM_021055.3, NM_001077183.3, NM_001114382.3 and 6 more transcripts); and 3 more; short protein forms L353V, L488V, L458V, L503V, L537V, L307V, L59V, L470V.
Identifiers: ClinVar variation 2861923 (VCV002861923.4), dbSNP rs2087019774, ClinGen allele CA394326210.
Genomic context (GRCh38, chr16:2,064,347, plus strand): 5'-TCAGTGGTCATCTCGCAGCTCTCCCACATCCCCGAGGATAAAGACCACCAGGTCCGAAAG[C>G]TGGCCACCCAGTTGCTGGTGGACCTGGCAGAGGGCTGCCACACACACCACTTCAACAGCC-3'
Protein context (NP_000539.2, residues 497-517): PEDKDHQVRK[Leu507Val]ATQLLVDLAE

ClinVar aggregate classification (germline): Uncertain significance. Review status: criteria provided, multiple submitters, no conflicts (2 of 4 stars). 2 submissions from 2 submitters: Uncertain significance (2). Last evaluated 2025-06-01.

Conditions:
Hereditary cancer-predisposing syndrome. Also called: Hereditary neoplastic syndrome; Hereditary Cancer Syndrome; Neoplastic Syndromes, Hereditary; Tumor predisposition. Identifiers: Orphanet 140162, MedGen C0027672, MeSH D009386, MONDO:0015356.
Tuberous sclerosis 2 (TSC2). Identifiers: Orphanet 805, MedGen C1860707, MONDO:0013199, OMIM 613254.

gnomAD v4.1: 1 of 1,613,732 alleles (0.000062%); no homozygotes.

Submissions (2):

Ambry Genetics
Classification: Uncertain significance for Hereditary cancer-predisposing syndrome. Last evaluated: 2025-06-01. Review status: criteria provided, single submitter. Criteria: Ambry Variant Classification Scheme 2023. Collection method: clinical testing. Allele origin: germline.
Comment: The p.L507V variant (also known as c.1519C>G), located in coding exon 14 of the TSC2 gene, results from a C to G substitution at nucleotide position 1519. The leucine at codon 507 is replaced by valine, an amino acid with highly similar properties. This amino acid position is conserved. In addition, the in silico prediction for this alteration is inconclusive. Based on the available evidence, the clinical significance of this variant remains unclear.

Labcorp Genetics (formerly Invitae), Labcorp
Classification: Uncertain significance for Tuberous sclerosis 2. Last evaluated: 2023-09-01. Review status: criteria provided, single submitter. Criteria: Invitae Variant Classification Sherloc (09022015). Collection method: clinical testing. Allele origin: germline.
Comment: This sequence change replaces leucine, which is neutral and non-polar, with valine, which is neutral and non-polar, at codon 507 of the TSC2 protein (p.Leu507Val). In summary, the available evidence is currently insufficient to determine the role of this variant in disease. Therefore, it has been classified as a Variant of Uncertain Significance. Advanced modeling of protein sequence and biophysical properties (such as structural, functional, and spatial information, amino acid conservation, physicochemical variation, residue mobility, and thermodynamic stability) performed at Invitae indicates that this missense variant is not expected to disrupt TSC2 protein function. This variant has not been reported in the literature in individuals affected with TSC2-related conditions. This variant is not present in population databases (gnomAD no frequency).